The following is an entry in ClinVar:

NM_001184.4(ATR):c.2704T>C (p.Ser902Pro)

Gene: ATR (ATR checkpoint kinase; minus strand). Cytogenetic location: 3q23.
Variant type: single nucleotide variant.
Coding change: c.2704T>C on transcript NM_001184.4 (MANE Select); coding-DNA position 2704, T replaced by C.
Protein change: p.Ser902Pro; replaces serine 902 with proline.
Molecular consequence: missense variant.
Genome position (GRCh38, 1-based): chr3:142,553,328, A>G on the plus strand (T>C on the coding strand, the complement: ATR is on the minus strand). VCF-style: chr3-142553328-A-G. GRCh37 (hg19) VCF-style: chr3-142272170-A-G.
Other names: c.2512T>C, p.Ser838Pro (NM_001354579.2); short protein forms S902P, S838P.
Identifiers: ClinVar variation 513755 (VCV000513755.55), dbSNP rs146202702, ClinGen allele CA2650288.

ClinVar aggregate classification (germline): Conflicting classifications of pathogenicity. Review status: criteria provided, conflicting classifications (1 of 4 stars). 10 submissions from 10 submitters: Uncertain significance (3); Likely benign (4). 3 of the submissions do not count toward it. Last evaluated 2026-07-01.

Conditions:
Inborn genetic diseases. Identifiers: MedGen C0950123, MeSH D030342.
Familial cutaneous telangiectasia and oropharyngeal predisposition cancer syndrome. Identifiers: Orphanet 313846, MedGen C3281203, MONDO:0013806, OMIM 614564.
Seckel syndrome 1 (SCKL1). Also called: MICROCEPHALIC PRIMORDIAL DWARFISM I. Identifiers: Orphanet 808, MedGen C4551474, MONDO:0008869, OMIM 210600.

Allele frequency attached by ClinVar (database versions not stated): gnomAD exomes 0.00074 and 0.00062; 1000 Genomes Project 30x 0.00016; 1000 Genomes Project 0.00020; gnomAD 0.00036 and 0.00038; TOPMed 0.00045; ESP Exome Variant Server 0.00054; ExAC 0.00068.
gnomAD v4.1: 1,132 of 1,614,068 alleles (0.07%); highest among the groups gnomAD compares: Non-Finnish European, 0.086%; 1 homozygote.

Submissions (10):

CeGaT Center for Human Genetics Tuebingen
Classification: Uncertain significance. Last evaluated: 2026-07-01. Review status: criteria provided, single submitter. Criteria: CeGaT Center For Human Genetics Tuebingen Variant Classification Criteria Version 2. Collection method: clinical testing. Allele origin: germline. Affected: yes. Observed: 3 variant alleles.

Ambry Genetics
Classification: Likely benign for Inborn genetic diseases. Last evaluated: 2025-01-30. Review status: criteria provided, single submitter. Criteria: Ambry Variant Classification Scheme 2023. Collection method: clinical testing. Allele origin: germline.

Labcorp Genetics (formerly Invitae), Labcorp
Classification: Uncertain significance. Last evaluated: 2025-01-30. Review status: criteria provided, single submitter. Criteria: Invitae Variant Classification Sherloc (09022015). Collection method: clinical testing. Allele origin: germline.
Comment: This sequence change replaces serine, which is neutral and polar, with proline, which is neutral and non-polar, at codon 902 of the ATR protein (p.Ser902Pro). This variant is present in population databases (rs146202702, gnomAD 0.1%), and has an allele count higher than expected for a pathogenic variant. This variant has not been reported in the literature in individuals affected with ATR-related conditions. ClinVar contains an entry for this variant (Variation ID: 513755). An algorithm developed to predict the effect of missense changes on protein structure and function (PolyPhen-2) suggests that this variant¬†is likely to be tolerated. In summary, the available evidence is currently insufficient to determine the role of this variant in disease. Therefore, it has been classified as a Variant of Uncertain Significance.

Blueprint Genetics
Classification: Likely benign. Last evaluated: 2024-11-15. Review status: criteria provided, single submitter. Criteria: ACMG Guidelines, 2015. Collection method: clinical testing. Allele origin: germline.

Fulgent Genetics
Classification: Likely benign for Seckel syndrome 1; Familial cutaneous telangiectasia and oropharyngeal predisposition cancer syndrome. Last evaluated: 2024-01-23. Review status: criteria provided, single submitter. Criteria: ACMG Guidelines, 2015. Collection method: clinical testing. Allele origin: germline.

GeneDx
Classification: Likely benign. Last evaluated: 2017-12-04. Review status: criteria provided, single submitter. Criteria: GeneDx Variant Classification (06012015). Collection method: clinical testing. Allele origin: germline. Affected: yes.
Comment: This variant is considered likely benign or benign based on one or more of the following criteria: it is a conservative change, it occurs at a poorly conserved position in the protein, it is predicted to be benign by multiple in silico algorithms, and/or has population frequency not consistent with disease.

Illumina Laboratory Services, Illumina
Classification: Uncertain significance for Seckel syndrome 1. Last evaluated: 2017-04-27. Review status: criteria provided, single submitter. Criteria: ICSL Variant Classification Criteria 13 December 2019. Collection method: clinical testing. Allele origin: germline.

Clinical Genetics DNA and cytogenetics Diagnostics Lab, Erasmus MC, Erasmus Medical Center
Classification: Uncertain significance. Review status: no assertion criteria provided. Collection method: clinical testing. Allele origin: germline. Affected: yes. Study: VKGL Data-share Consensus. Not counted in ClinVar's aggregate classification.

Department of Pathology and Laboratory Medicine, Sinai Health System
Classification: Uncertain significance. Review status: no assertion criteria provided. Collection method: clinical testing. Allele origin: unknown. Affected: yes. Study: The Canadian Open Genetics Repository (COGR). Not counted in ClinVar's aggregate classification.
Comment: The ATR p.Ser902Pro variant was not identified in the literature nor was it identified in Cosmic. The variant was identified in dbSNP (ID: rs146202702), ClinVar (classified as likely benign by GeneDx), and LOVD 3.0. The variant was identified in control databases in 170 of 282796 at a frequency of 0.0006011 increasing the likelihood this could be a low frequency benign variant (Genome Aggregation Database Feb 27, 2017). The variant was observed in the following populations: European (non-Finnish) in 129 of 129134 chromosomes (freq: 0.000999), Other in 7 of 7222 chromosomes (freq: 0.000969), Latino in 15 of 35436 chromosomes (freq: 0.000423), South Asian in 10 of 30610 chromosomes (freq: 0.000327), European (Finnish) in 7 of 25122 chromosomes (freq: 0.000279) and African in 2 of 24956 chromosomes (freq: 0.00008), but was not observed in the Ashkenazi Jewish or East Asian populations. The p.Ser902 residue is conserved in mammals and computational analyses (PolyPhen-2, SIFT, AlignGVGD, BLOSUM, MutationTaster) provide inconsistent predictions regarding the impact to the protein; this information is not very predictive of pathogenicity. The variant occurs outside of the splicing consensus sequence and in silico or computational prediction software programs (SpliceSiteFinder, MaxEntScan, NNSPLICE, GeneSplicer) do not predict a difference in splicing. In summary, based on the above information the clinical significance of this variant cannot be determined with certainty at this time. This variant is classified as a variant of uncertain significance.

Diagnostic Laboratory, Department of Genetics, University Medical Center Groningen
Classification: Uncertain significance. Review status: no assertion criteria provided. Collection method: clinical testing. Allele origin: germline. Affected: yes. Study: VKGL Data-share Consensus. Not counted in ClinVar's aggregate classification.

Literature cited by the submitters: PubMed 26193622 (cited by Ambry Genetics).